The following is an entry in ClinVar:

NM_001128425.2(MUTYH):c.36+2_36+10del

Genes: MUTYH (mutY DNA glycosylase; minus strand), TOE1 (target of EGR1, exonuclease; plus strand). Cytogenetic location: 1p34.1.
Variant type: Deletion.
Coding change: c.36+2_36+10del on transcript NM_001128425.2 (MANE Plus Clinical); the canonical splice donor site of the intron after coding-DNA position 36 through 10 bases into the intron after coding-DNA position 36, 9 bases deleted (TACGCTGGA; older notation c.36+2_36+10delTACGCTGGA).
Molecular consequence: splice donor variant. On other transcripts: 5 prime UTR variant (3), intron variant (1).
Genome position (GRCh38, 1-based): chr1:45,340,209-45,340,217, TCCAGCGTA deleted on the plus strand (TACGCTGGA on the coding strand, the reverse complement: MUTYH is on the minus strand). VCF-style (leftmost placement, unchanged base first): chr1-45340208-GTCCAGCGTA-G. GRCh37 (hg19) VCF-style: chr1-45805880-GTCCAGCGTA-G.
Other names: c.-44_-36del (NM_025077.4); c.-21_-13del (NM_001407070.1, NM_001407071.1); c.-7+6_-7+14del (NM_001407072.1); c.-214+2_-214+10del (NM_001350651.2); c.-219+2_-219+10del (NM_001293192.2); c.-278+2_-278+10del (NM_001350650.2); c.36+2_36+10del (NM_001407073.1, NM_001293190.2, NM_001407069.1 and 1 more transcripts); c.-7+2_-7+10del (NM_001048171.2).
Identifiers: ClinVar variation 4112891 (VCV004112891.1).
Genomic context (GRCh38, chr1:45,340,208, plus strand): 5'-CGACGGCGAGACCCCGCCCCATCCCCGACTGCCTGAACCGCGCCAGGAGACGGACCGCAA[GTCCAGCGTA>G]CCCACAGACGACTCAGGCGGGAGACGAGCGGTGTCATGGCCGCCGACAGTGACGATGGCG-3'

ClinVar aggregate classification (germline): Uncertain significance (1 of 4 stars; one submission).

Conditions:
Hereditary cancer-predisposing syndrome. Also called: Neoplastic Syndromes, Hereditary; Tumor predisposition; Hereditary neoplastic syndrome; Hereditary Cancer Syndrome. Identifiers: Orphanet 140162, MedGen C0027672, MeSH D009386, MONDO:0015356.

Submission:

Ambry Genetics
Classification: Uncertain significance for Hereditary cancer-predisposing syndrome. Last evaluated: 2025-07-03. Review status: criteria provided, single submitter. Criteria: Ambry Variant Classification Scheme 2023. Collection method: clinical testing. Allele origin: germline.
Comment: The c.36+2_36+10delTACGCTGGA variant results from a deletion of 9 nucleotides between positions c.36+2 and c.36+10 and involves the canonical splice donor site after coding exon 1 of the MUTYH gene. The canonical splice donor site is not well conserved in available vertebrate species. In silico splice site analysis predicts that this alteration will weaken the native splice donor site; however, the exact impact of this deletion on MUTYH splicing and function is currently unknown. Alterations that disrupt the canonical splice site are expected to cause aberrant splicing, resulting in an abnormal protein or a transcript that is subject to nonsense-mediated mRNA decay. However, this region of the MUTYH gene is excluded from other biologically relevant MUTYH transcripts. Based on the available evidence, the clinical significance of this variant remains unclear.